The following is an entry in ClinVar:

NM_000492.4(CFTR):c.2570A>G (p.Lys857Arg)

Gene: CFTR (CF transmembrane conductance regulator; plus strand). Cytogenetic location: 7q31.2.
Variant type: single nucleotide variant.
Coding change: c.2570A>G on transcript NM_000492.4 (MANE Select); coding-DNA position 2570, A replaced by G.
Protein change: p.Lys857Arg; replaces lysine 857 with arginine.
Molecular consequence: missense variant.
Genome position (GRCh38, 1-based): chr7:117,595,009, A>G. VCF-style: chr7-117595009-A-G. GRCh37 (hg19) VCF-style: chr7-117235063-A-G.
Other names: short protein forms K857R.
Identifiers: ClinVar variation 639167 (VCV000639167.10), dbSNP rs1584813860, ClinGen allele CA368983976.

ClinVar aggregate classification (germline): Uncertain significance. Review status: criteria provided, multiple submitters, no conflicts (2 of 4 stars). 2 submissions from 2 submitters: Uncertain significance (2). Last evaluated 2025-04-21.

Conditions:
Cystic fibrosis (CF). Also called: MUCOVISCIDOSIS. Identifiers: Orphanet 586, MedGen C0010674, MONDO:0009061, OMIM 219700. Disease mechanism: loss of function.

Submissions (2):

Labcorp Genetics (formerly Invitae), Labcorp
Classification: Uncertain significance for Cystic fibrosis. Last evaluated: 2025-04-21. Review status: criteria provided, single submitter. Criteria: Invitae Variant Classification Sherloc (09022015). Collection method: clinical testing. Allele origin: germline.
Comment: This sequence change replaces lysine, which is basic and polar, with arginine, which is basic and polar, at codon 857 of the CFTR protein (p.Lys857Arg). This variant is not present in population databases (gnomAD no frequency). This variant has not been reported in the literature in individuals affected with CFTR-related conditions. ClinVar contains an entry for this variant (Variation ID: 639167). Invitae Evidence Modeling of protein sequence and biophysical properties (such as structural, functional, and spatial information, amino acid conservation, physicochemical variation, residue mobility, and thermodynamic stability) indicates that this missense variant is not expected to disrupt CFTR protein function with a negative predictive value of 80%. In summary, the available evidence is currently insufficient to determine the role of this variant in disease. Therefore, it has been classified as a Variant of Uncertain Significance.

Ambry Genetics
Classification: Uncertain significance for Cystic fibrosis. Last evaluated: 2021-09-21. Review status: criteria provided, single submitter. Criteria: Ambry Variant Classification Scheme 2023. Collection method: clinical testing. Allele origin: germline.
Comment: The p.K857R variant (also known as c.2570A>G), located in coding exon 15 of the CFTR gene, results from an A to G substitution at nucleotide position 2570. The lysine at codon 857 is replaced by arginine, an amino acid with highly similar properties. This amino acid position is conserved. In addition, the in silico prediction for this alteration is inconclusive. Since supporting evidence is limited at this time, the clinical significance of this alteration remains unclear.